The following is an entry in ClinVar:

NM_001009944.3(PKD1):c.9187C>T (p.Arg3063Cys)

Gene: PKD1 (polycystin 1, transient receptor potential channel interacting; minus strand). Cytogenetic location: 16p13.3.
Variant type: single nucleotide variant.
Coding change: c.9187C>T on transcript NM_001009944.3 (MANE Select); coding-DNA position 9187, C replaced by T.
Protein change: p.Arg3063Cys; replaces arginine 3063 with cysteine.
Molecular consequence: missense variant.
Genome position (GRCh38, 1-based): chr16:2,102,395, G>A on the plus strand (C>T on the coding strand, the complement: PKD1 is on the minus strand). VCF-style: chr16-2102395-G-A. GRCh37 (hg19) VCF-style: chr16-2152396-G-A.
Other names: p.Arg3063Cys; c.9187C>T, p.Arg3063Cys (NM_000296.4); c.9187C>T (NM_001009944.2); short protein forms R3063C.
Identifiers: ClinVar variation 994680 (VCV000994680.27), dbSNP rs145906459, ClinGen allele CA7830170.

ClinVar aggregate classification (germline): Conflicting classifications of pathogenicity. Review status: criteria provided, conflicting classifications (1 of 4 stars). 7 submissions from 7 submitters: Uncertain significance (4); Likely benign (2). 1 of the submissions does not count toward it. Last evaluated 2025-10-21.

Conditions:
Polycystic kidney disease, adult type (PKD1). Also called: Polycystic Kidney, Autosomal Dominant; POLYCYSTIC KIDNEY DISEASE, ADULT, TYPE I; Polycystic Kidney Disease 1, Autosomal Dominant; Polycystic kidney disease 1; Polycystic kidney disease 1, severe; POLYCYSTIC KIDNEY DISEASE 1 WITH OR WITHOUT POLYCYSTIC LIVER DISEASE. Identifiers: MedGen C3149841, MONDO:0008263, OMIM 173900.
PKD1-related disorder. Also called: PKD1-related condition.

Allele frequency attached by ClinVar (database versions not stated): gnomAD exomes 0.00022 and 0.00038; gnomAD 0.00023 and 0.00024; ExAC 0.00024; TOPMed 0.00025; ESP Exome Variant Server 0.00032.
gnomAD v4.1: 555 of 1,558,684 alleles (0.036%); highest among the groups gnomAD compares: Non-Finnish European, 0.045%; no homozygotes.

Submissions (7):

Women's Health and Genetics/Laboratory Corporation of America, LabCorp
Classification: Uncertain significance. Last evaluated: 2025-10-21. Review status: criteria provided, single submitter. Criteria: LabCorp Variant Classification Summary - May 2015. Collection method: clinical testing. Allele origin: germline.
Comment: Variant summary: PKD1 c.9187C>T (p.Arg3063Cys) results in a non-conservative amino acid change in the encoded protein sequence. Algorithms developed to predict the effect of missense changes on protein structure and function are either unavailable or do not agree on the potential impact of this missense change. The variant allele was found at a frequency of 0.00022 in 161908 control chromosomes. This frequency is not significantly higher than estimated for disease-causing variants in PKD1, allowing no conclusion about variant significance. c.9187C>T has been observed in the presumed heterozygous or multiply heterozygous state in several individual(s) affected with PKD1-related conditions (example, Eisenberger_2015, Borras_2017, Rossetti_2007), without strong evidence for causality. These report(s) do not provide unequivocal conclusions about association of the variant with PKD1-related conditions. At least one publication reports experimental evidence evaluating an impact on protein function, however, does not allow convincing conclusions about the variant effect (Pawnikar_2022). The following publications have been ascertained in the context of this evaluation (PMID: 36406261, 25646624, 35522707, 38260358, 28378423, 17582161, 39373641). ClinVar contains an entry for this variant (Variation ID: 994680). Based on the evidence outlined above, the variant was classified as uncertain significance.

Mayo Clinic Laboratories, Mayo Clinic
Classification: Uncertain significance. Last evaluated: 2025-08-08. Review status: criteria provided, single submitter. Criteria: ACMG Guidelines, 2015. Collection method: clinical testing. Allele origin: germline. Observed: 2 variant alleles.
Comment: BP4_moderate, PS3_supporting

Blueprint Genetics
Classification: Likely benign. Last evaluated: 2024-11-04. Review status: criteria provided, single submitter. Criteria: ACMG Guidelines, 2015. Collection method: clinical testing. Allele origin: germline.

Department of Pathology and Laboratory Medicine, Sinai Health System
Classification: Likely benign for Polycystic kidney disease, adult type. Last evaluated: 2024-10-15. Review status: criteria provided, single submitter. Criteria: ACMG Guidelines, 2015. Collection method: clinical testing. Allele origin: germline.

CeGaT Center for Human Genetics Tuebingen
Classification: Uncertain significance. Last evaluated: 2024-01-01. Review status: criteria provided, single submitter. Criteria: CeGaT Center For Human Genetics Tuebingen Variant Classification Criteria Version 2. Collection method: clinical testing. Allele origin: germline. Affected: yes. Observed: 1 variant allele.
Comment: PKD1: PM2, BP4

Athena Diagnostics
Classification: Uncertain significance. Last evaluated: 2019-10-22. Review status: criteria provided, single submitter. Criteria: Athena Diagnostics Criteria. Collection method: clinical testing. Allele origin: unknown.

PreventionGenetics, part of Exact Sciences
Classification: Likely benign for PKD1-related condition. Last evaluated: 2022-05-20. Review status: no assertion criteria provided. Collection method: clinical testing. Allele origin: germline. Not counted in ClinVar's aggregate classification.
Comment: This variant is classified as likely benign based on ACMG/AMP sequence variant interpretation guidelines (Richards et al. 2015 PMID: 25741868, with internal and published modifications).

Literature cited by the submitters: PubMed 25646624 (cited by Women's Health and Genetics/Laboratory Corporation of America, LabCorp); PubMed 17582161 (cited by 4 submitters); PubMed 28378423 (cited by Women's Health and Genetics/Laboratory Corporation of America, LabCorp); PubMed 36406261 (cited by Women's Health and Genetics/Laboratory Corporation of America, LabCorp); PubMed 38260358 (cited by Women's Health and Genetics/Laboratory Corporation of America, LabCorp); PubMed 39373641 (cited by Women's Health and Genetics/Laboratory Corporation of America, LabCorp and Mayo Clinic Laboratories, Mayo Clinic); PubMed 35522707 (cited by Women's Health and Genetics/Laboratory Corporation of America, LabCorp and Mayo Clinic Laboratories, Mayo Clinic).